The following is an entry in ClinVar:

ClinVar aggregate classification (germline): Uncertain significance (1 of 4 stars; one submission).

gnomAD v4.1: 14 of 1,504,550 alleles (0.00093%); highest among the groups gnomAD compares: African/African-American, 0.0014%; no homozygotes.

Submission:

CeGaT Center for Human Genetics Tuebingen
Classification: Uncertain significance. Last evaluated: 2025-11-01. Review status: criteria provided, single submitter. Criteria: CeGaT Center For Human Genetics Tuebingen Variant Classification Criteria Version 2. Collection method: clinical testing. Allele origin: germline. Affected: yes. Observed: 1 variant allele.
Comment: ADCY5: PM2

NM_183357.3(ADCY5):c.287G>C (p.Ser96Thr)

Gene: ADCY5 (adenylate cyclase 5; minus strand). Cytogenetic location: 3q21.1.
Variant type: single nucleotide variant.
Coding change: c.287G>C on transcript NM_183357.3 (MANE Select); coding-DNA position 287, G replaced by C.
Protein change: p.Ser96Thr; replaces serine 96 with threonine.
Molecular consequence: missense variant.
Genome position (GRCh38, 1-based): chr3:123,448,259, C>G on the plus strand (G>C on the coding strand, the complement: ADCY5 is on the minus strand). VCF-style: chr3-123448259-C-G. GRCh37 (hg19) VCF-style: chr3-123167106-C-G.
Other names: c.287G>C, p.Ser96Thr (NM_001378259.1); short protein forms S96T.
Identifiers: ClinVar variation 4535346 (VCV004535346.6).